The following is an entry in ClinVar:

ClinVar aggregate classification (germline): Uncertain significance. Review status: criteria provided, multiple submitters, no conflicts (2 of 4 stars). 2 submissions from 2 submitters: Uncertain significance (2). Last evaluated 2025-05-22.

Submissions (2):

Women's Health and Genetics/Laboratory Corporation of America, LabCorp
Classification: Uncertain significance. Last evaluated: 2025-05-22. Review status: criteria provided, single submitter. Criteria: LabCorp Variant Classification Summary - May 2015. Collection method: clinical testing. Allele origin: germline.
Comment: Variant summary: USH2A c.4812T>A (p.Asp1604Glu) results in a conservative amino acid change in the encoded protein sequence. Algorithms developed to predict the effect of missense changes on protein structure and function are either unavailable or do not agree on the potential impact of this missense change. The variant was absent in 251032 control chromosomes. The available data on variant occurrences in the general population are insufficient to allow any conclusion about variant significance. To our knowledge, no occurrence of c.4812T>A in individuals affected with Usher Syndrome and no experimental evidence demonstrating its impact on protein function have been reported. ClinVar contains an entry for this variant (Variation ID: 1691610). Based on the evidence outlined above, the variant was classified as uncertain significance.

GeneDx
Classification: Uncertain significance. Last evaluated: 2022-06-10. Review status: criteria provided, single submitter. Criteria: GeneDx Variant Classification Process June 2021. Collection method: clinical testing. Allele origin: germline. Affected: yes.
Comment: Not observed at significant frequency in large population cohorts (gnomAD); In silico analysis supports that this missense variant has a deleterious effect on protein structure/function; Has not been previously published as pathogenic or benign to our knowledge

NM_206933.4(USH2A):c.4812T>A (p.Asp1604Glu)

Gene: USH2A (usherin; minus strand). Cytogenetic location: 1q41.
Variant type: single nucleotide variant.
Coding change: c.4812T>A on transcript NM_206933.4 (MANE Select); coding-DNA position 4812, T replaced by A.
Protein change: p.Asp1604Glu; replaces aspartic acid 1604 with glutamic acid.
Molecular consequence: missense variant.
Genome position (GRCh38, 1-based): chr1:216,089,086, A>T on the plus strand (T>A on the coding strand, the complement: USH2A is on the minus strand). VCF-style: chr1-216089086-A-T. GRCh37 (hg19) VCF-style: chr1-216262428-A-T.
Other names: short protein forms D1604E.
Identifiers: ClinVar variation 1691610 (VCV001691610.4), dbSNP rs2032222263, ClinGen allele CA344860752.